The following is an entry in ClinVar:

NM_001009944.3(PKD1):c.854C>T (p.Ala285Val)

Gene: PKD1 (polycystin 1, transient receptor potential channel interacting; minus strand). Cytogenetic location: 16p13.3.
Variant type: single nucleotide variant.
Coding change: c.854C>T on transcript NM_001009944.3 (MANE Select); coding-DNA position 854, C replaced by T.
Protein change: p.Ala285Val; replaces alanine 285 with valine.
Molecular consequence: missense variant.
Genome position (GRCh38, 1-based): chr16:2,118,138, G>A on the plus strand (C>T on the coding strand, the complement: PKD1 is on the minus strand). VCF-style: chr16-2118138-G-A. GRCh37 (hg19) VCF-style: chr16-2168139-G-A.
Other names: c.854C>T, p.Ala285Val (NM_000296.4); short protein forms A285V.
Identifiers: ClinVar variation 4687315 (VCV004687315.1).
Genomic context (GRCh38, chr16:2,118,138, plus strand): 5'-CAGCGTGTGGCAGTGACAGGGAGCGGGGCAGCGATGTGGAAGGCTGCTAGCTGGCCAGAG[G>A]CCAGAGGTCCGTGGGGCCCCACCAGGGTGGCCCCTGGGGAGGCAGGGAAGACGTGCTGGA-3'
Protein context (NP_001009944.3, residues 275-295): ATLVGPHGPL[Ala285Val]SGQLAAFHIA

ClinVar aggregate classification (germline): Uncertain significance (1 of 4 stars; one submission).

Submission:

Women's Health and Genetics/Laboratory Corporation of America, LabCorp
Classification: Uncertain significance. Last evaluated: 2025-10-14. Review status: criteria provided, single submitter. Criteria: LabCorp Variant Classification Summary - May 2015. Collection method: clinical testing. Allele origin: germline.
Comment: Variant summary: PKD1 c.854C>T (p.Ala285Val) results in a non-conservative amino acid change in the encoded protein sequence. Algorithms developed to predict the effect of missense changes on protein structure and function are either unavailable or do not agree on the potential impact of this missense change. The frequency data for this variant in gnomAD is considered unreliable, as metrics indicate poor data quality at this position. c.854C>T has been observed in an individual(s) affected with Polycystic Kidney Disease 1 without strong evidence of causality (Bataille_2011). This report does not provide unequivocal conclusions about association of the variant with Polycystic Kidney Disease 1. To our knowledge, no experimental evidence demonstrating an impact on protein function has been reported. The following publication has been ascertained in the context of this evaluation (PMID: 22008521). No submitters have cited clinical-significance assessments for this variant to ClinVar. Based on the evidence outlined above, the variant was classified as uncertain significance.

Literature cited by the submitters: PubMed 22008521.